The following is an entry in ClinVar:

NM_001127222.2(CACNA1A):c.1781+3A>C

Gene: CACNA1A (calcium voltage-gated channel subunit alpha1 A; minus strand). Cytogenetic location: 19p13.13.
Variant type: single nucleotide variant.
Coding change: c.1781+3A>C on transcript NM_001127222.2 (MANE Select); 3 bases into the intron after coding-DNA position 1781, A replaced by C.
Molecular consequence: intron variant.
Genome position (GRCh38, 1-based): chr19:13,308,413, T>G on the plus strand (A>C on the coding strand, the complement: CACNA1A is on the minus strand). VCF-style: chr19-13308413-T-G. GRCh37 (hg19) VCF-style: chr19-13419227-T-G.
Other names: c.1784+3A>C (NM_001127221.2, NM_001174080.2, NM_000068.4 and 1 more transcripts).
Identifiers: ClinVar variation 2015314 (VCV002015314.5), dbSNP rs2512949375, ClinGen allele CA2580096612.

ClinVar aggregate classification (germline): Uncertain significance. Review status: criteria provided, multiple submitters, no conflicts (2 of 4 stars). 2 submissions from 2 submitters: Uncertain significance (2). Last evaluated 2023-05-21.

Conditions:
Episodic ataxia type 2 (EA2). Also called: ATAXIA, EPISODIC, WITH NYSTAGMUS; ATAXIA, FAMILIAL PAROXYSMAL; CEREBELLAR ATAXIA, PAROXYSMAL, ACETAZOLAMIDE-RESPONSIVE; CEREBELLOPATHY, HEREDITARY PAROXYSMAL; ACETAZOLAMIDE-RESPONSIVE HEREDITARY PAROXYSMAL CEREBELLAR ATAXIA; EPISODIC ATAXIA, NYSTAGMUS-ASSOCIATED. Identifiers: Orphanet 97, MedGen C1720416, MONDO:0007163, OMIM 108500.
Developmental and epileptic encephalopathy, 42 (DEE42A). Also called: Epileptic encephalopathy, early infantile, 42; DEVELOPMENTAL AND EPILEPTIC ENCEPHALOPATHY 42A; EPILEPTIC ENCEPHALOPATHY, EARLY INFANTILE, 42A. Identifiers: MedGen C4310716, MONDO:0014917, OMIM 617106.

Submissions (2):

GeneDx
Classification: Uncertain significance. Last evaluated: 2023-05-21. Review status: criteria provided, single submitter. Criteria: GeneDx Variant Classification Process June 2021. Collection method: clinical testing. Allele origin: germline. Affected: yes.
Comment: Has not been previously published as pathogenic or benign to our knowledge; Not observed at significant frequency in large population cohorts (gnomAD); In silico analysis supports a deleterious effect on splicing

Labcorp Genetics (formerly Invitae), Labcorp
Classification: Uncertain significance for Developmental and epileptic encephalopathy, 42; Episodic ataxia type 2. Last evaluated: 2022-07-09. Review status: criteria provided, single submitter. Criteria: Invitae Variant Classification Sherloc (09022015). Collection method: clinical testing. Allele origin: germline.
Comment: In summary, the available evidence is currently insufficient to determine the role of this variant in disease. Therefore, it has been classified as a Variant of Uncertain Significance. This sequence change falls in intron 13 of the CACNA1A gene. It does not directly change the encoded amino acid sequence of the CACNA1A protein. It affects a nucleotide within the consensus splice site. This variant is not present in population databases (gnomAD no frequency). This variant has not been reported in the literature in individuals affected with CACNA1A-related conditions. Variants that disrupt the consensus splice site are a relatively common cause of aberrant splicing (PMID: 17576681, 9536098). Algorithms developed to predict the effect of sequence changes on RNA splicing suggest that this variant may disrupt the consensus splice site.

Literature cited by the submitters: PubMed 17576681 (cited by Labcorp Genetics (formerly Invitae), Labcorp); PubMed 9536098 (cited by Labcorp Genetics (formerly Invitae), Labcorp).